The following is an entry in ClinVar:

NM_080916.3(DGUOK):c.69C>G (p.Leu23=)

Genes: DGUOK (deoxyguanosine kinase; plus strand), LOC129934096 (ATAC-STARR-seq lymphoblastoid active region 16036; plus strand). Cytogenetic location: 2p13.1.
Variant type: single nucleotide variant.
Coding change: c.69C>G on transcript NM_080916.3 (MANE Select); coding-DNA position 69, C replaced by G.
Protein change: p.Leu23=; no amino-acid change (leucine 23 retained).
Molecular consequence: synonymous variant. On other transcripts: 5 prime UTR variant (4), non-coding transcript variant (6).
Genome position (GRCh38, 1-based): chr2:73,926,979, C>G. VCF-style: chr2-73926979-C-G. GRCh37 (hg19) VCF-style: chr2-74154106-C-G.
Other names: c.69C>G, p.Leu23= (NM_001318859.2, NM_080918.3); c.-110C>G (NM_001318860.2, NM_001318863.2); c.-196C>G (NM_001318861.2, NM_001318862.2); c.69C>G (NM_080916.2).
Identifiers: ClinVar variation 2101602 (VCV002101602.6), dbSNP rs1275115471, ClinGen allele CA426794396.

ClinVar aggregate classification (germline): Likely benign. Review status: criteria provided, single submitter (1 of 4 stars). 2 submissions from 2 submitters: Likely benign (1). 1 of the submissions does not count toward it. Last evaluated 2023-01-09.

Conditions:
DGUOK-related disorder. Also called: DGUOK-related condition.

Allele frequency attached by ClinVar (database versions not stated): TOPMed 0.00001.

Submissions (2):

Labcorp Genetics (formerly Invitae), Labcorp
Classification: Likely benign. Last evaluated: 2023-01-09. Review status: criteria provided, single submitter. Criteria: Invitae Variant Classification Sherloc (09022015). Collection method: clinical testing. Allele origin: germline.

PreventionGenetics, part of Exact Sciences
Classification: Likely benign for DGUOK-related condition. Last evaluated: 2021-03-22. Review status: no assertion criteria provided. Collection method: clinical testing. Allele origin: germline. Not counted in ClinVar's aggregate classification.
Comment: This variant is classified as likely benign based on ACMG/AMP sequence variant interpretation guidelines (Richards et al. 2015 PMID: 25741868, with internal and published modifications).